The following is an entry in ClinVar:

ClinVar aggregate classification (germline): Benign. Review status: criteria provided, multiple submitters, no conflicts (2 of 4 stars). 2 submissions from 2 submitters: Benign (2). Last evaluated 2016-03-29.

Allele frequency attached by ClinVar (database versions not stated): 1000 Genomes Project 30x 0.03217; ESP Exome Variant Server 0.03379; 1000 Genomes Project 0.03435; TOPMed 0.03474; gnomAD 0.03517 and 0.03636; gnomAD exomes 0.04194 and 0.04687; ExAC 0.04235.
gnomAD v4.1: 73,996 of 1,612,296 alleles (4.6%); highest among the groups gnomAD compares: South Asian, 5.2%; 2,057 homozygotes.

Submissions (2):

Laboratory for Molecular Medicine, Mass General Brigham Personalized Medicine
Classification: Benign. Last evaluated: 2016-03-29. Review status: criteria provided, single submitter. Criteria: LMM Criteria. Collection method: clinical testing. Allele origin: germline.
Comment: Variant identified in a genome or exome case(s) and assessed due to predicted null impact of the variant or pathogenic assertions in the literature or databases. Disclaimer: This variant has not undergone full assessment. The following are preliminary notes: Frequency

Breakthrough Genomics
Classification: Benign. Review status: criteria provided, single submitter. Criteria: ACMG Guidelines, 2015. Collection method: not provided. Allele origin: germline. Inheritance: Autosomal recessive inheritance. Affected: yes.

NM_144668.6(CFAP251):c.919G>A (p.Val307Ile)

Gene: CFAP251 (cilia and flagella associated protein 251; plus strand). Cytogenetic location: 12q24.31.
Variant type: single nucleotide variant.
Coding change: c.919G>A on transcript NM_144668.6 (MANE Select); coding-DNA position 919, G replaced by A.
Protein change: p.Val307Ile; replaces valine 307 with isoleucine.
Molecular consequence: missense variant.
Genome position (GRCh38, 1-based): chr12:121,934,277, G>A. VCF-style: chr12-121934277-G-A. GRCh37 (hg19) VCF-style: chr12-122372183-G-A.
Other names: c.919G>A, p.Val307Ile (NM_001178003.2); short protein forms V307I.
Identifiers: ClinVar variation 403606 (VCV000403606.5), dbSNP rs77540055, ClinGen allele CA6840463.